The following is an entry in ClinVar:

NM_001291303.3(FAT4):c.3738C>G (p.His1246Gln)

Gene: FAT4 (FAT atypical cadherin 4; plus strand). Cytogenetic location: 4q28.1.
Variant type: single nucleotide variant.
Coding change: c.3738C>G on transcript NM_001291303.3 (MANE Select); coding-DNA position 3738, C replaced by G.
Protein change: p.His1246Gln; replaces histidine 1246 with glutamine.
Molecular consequence: missense variant.
Genome position (GRCh38, 1-based): chr4:125,320,149, C>G. VCF-style: chr4-125320149-C-G. GRCh37 (hg19) VCF-style: chr4-126241304-C-G.
Other names: c.3738C>G, p.His1246Gln (NM_001291285.3, NM_024582.6); short protein forms H1246Q.
Identifiers: ClinVar variation 1064577 (VCV001064577.1), dbSNP rs1730871419, ClinGen allele CA358124631.

ClinVar aggregate classification (germline): Uncertain significance (1 of 4 stars; one submission).

Conditions:
Van Maldergem syndrome 2 (VMLDS2). Identifiers: Orphanet 314679, MedGen C3809875, MONDO:0014242, OMIM 615546.

Allele frequency attached by ClinVar (database versions not stated): TOPMed below 0.00001.

Submission:

UNC Molecular Genetics  Laboratory, University of North Carolina at Chapel Hill
Classification: Uncertain significance for Van Maldergem syndrome 2. Last evaluated: 2021-03-01. Review status: criteria provided, single submitter. Criteria: ACMG Guidelines, 2015. Collection method: research. Allele origin: germline. Observed: 1 variant allele. Study: CSER_NCGENES.
Comment: The FAT4 c.3738C>G (p.His1246Gln) missense variant is located in exon 2 and results in a single amino acid substitution from a histidine to a glutamine. To our knowledge, the variant has not been previously reported in affected individuals in the literature. This variant is absent from gnomAD human population database. This variant is classified as a VUS.